The following is an entry in ClinVar:

ClinVar aggregate classification (germline): Conflicting classifications of pathogenicity. Review status: criteria provided, conflicting classifications (1 of 4 stars). 2 submissions from 2 submitters: Uncertain significance (1); Likely benign (1). Last evaluated 2025-03-05.

Conditions:
Hereditary cancer-predisposing syndrome. Also called: Neoplastic Syndromes, Hereditary; Tumor predisposition; Hereditary Cancer Syndrome; Hereditary neoplastic syndrome. Identifiers: Orphanet 140162, MedGen C0027672, MeSH D009386, MONDO:0015356.
Familial cancer of breast. Also called: BREAST CANCER, FAMILIAL; hereditary breast carcinoma; Hereditary breast cancer. Identifiers: Orphanet 227535, MedGen C0346153, MONDO:0016419, OMIM 114480. Disease mechanism: loss of function.

Submissions (2):

Ambry Genetics
Classification: Likely benign for Hereditary cancer-predisposing syndrome. Last evaluated: 2025-03-05. Review status: criteria provided, single submitter. Criteria: Ambry Variant Classification Scheme 2023. Collection method: clinical testing. Allele origin: germline.

Labcorp Genetics (formerly Invitae), Labcorp
Classification: Uncertain significance for Familial cancer of breast. Last evaluated: 2024-05-20. Review status: criteria provided, single submitter. Criteria: Invitae Variant Classification Sherloc (09022015). Collection method: clinical testing. Allele origin: germline.
Comment: This sequence change replaces histidine, which is basic and polar, with glutamine, which is neutral and polar, at codon 325 of the BARD1 protein (p.His325Gln). This variant is not present in population databases (gnomAD no frequency). This variant has not been reported in the literature in individuals affected with BARD1-related conditions. ClinVar contains an entry for this variant (Variation ID: 460769). An algorithm developed to predict the effect of missense changes on protein structure and function (PolyPhen-2) suggests that this variant is likely to be tolerated. In summary, the available evidence is currently insufficient to determine the role of this variant in disease. Therefore, it has been classified as a Variant of Uncertain Significance.

NM_000465.4(BARD1):c.975C>A (p.His325Gln)

Gene: BARD1 (BRCA1 associated RING domain 1; minus strand). Cytogenetic location: 2q35.
Variant type: single nucleotide variant.
Coding change: c.975C>A on transcript NM_000465.4 (MANE Select); coding-DNA position 975, C replaced by A.
Protein change: p.His325Gln; replaces histidine 325 with glutamine.
Molecular consequence: missense variant. On other transcripts: non-coding transcript variant (2), intron variant (3).
Genome position (GRCh38, 1-based): chr2:214,780,899, G>T on the plus strand (C>A on the coding strand, the complement: BARD1 is on the minus strand). VCF-style: chr2-214780899-G-T. GRCh37 (hg19) VCF-style: chr2-215645623-G-T.
Other names: c.918C>A, p.His306Gln (NM_001282543.2); c.159-28344C>A (NM_001282548.2); c.215+16162C>A (NM_001282545.2); c.364+11398C>A (NM_001282549.2); c.975C>A (NM_000465.2); short protein forms H325Q, H306Q.
Identifiers: ClinVar variation 460769 (VCV000460769.13), dbSNP rs876660202, ClinGen allele CA350454602.